The following is an entry in ClinVar:

NM_000051.4(ATM):c.7737AAG[1] (p.Arg2580del)

Genes: ATM (ATM serine/threonine kinase; plus strand), C11orf65 (chromosome 11 open reading frame 65; minus strand). Cytogenetic location: 11q22.3.
Variant type: Microsatellite.
Coding change: c.7737AAG[1] on transcript NM_000051.4 (MANE Select); one copy of the 3-base unit AAG starting at c.7737; the reference has two copies in a row; one copy, 3 bases deleted; also written c.7740_7742del.
Protein change: p.Arg2580del; deletes arginine 2580.
Molecular consequence: inframe deletion. On other transcripts: inframe indel (1), intron variant (2).
Genome position (GRCh38, 1-based): chr11:108,331,989-108,331,991, AAG deleted; deleting any 3 consecutive bases within chr11:108,331,984-108,331,991 gives the same sequence; the position shown is the placement nearest the transcript's 3' end. VCF-style (leftmost placement, unchanged base first): chr11-108331983-CAGA-C. GRCh37 (hg19) VCF-style: chr11-108202710-CAGA-C.
Other names: c.7740_7742delAAG (NM_000051.3); c.7740_7742del (NM_000051.4); c.7737AAG[1], p.Arg2580del (NM_001351834.2); c.641-22915_641-22913del (NM_001330368.2); c.*38+3234_*38+3236del (NM_001351110.2); short protein forms R2580del.
Identifiers: ClinVar variation 421547 (VCV000421547.15), dbSNP rs1064795204, ClinGen allele CA16619239.

ClinVar aggregate classification (germline): Uncertain significance. Review status: criteria provided, multiple submitters, no conflicts (2 of 4 stars). 4 submissions from 4 submitters: Uncertain significance (4). Last evaluated 2026-02-14.

Conditions:
Hereditary cancer-predisposing syndrome. Also called: Neoplastic Syndromes, Hereditary; Hereditary Cancer Syndrome; Tumor predisposition; Hereditary neoplastic syndrome. Identifiers: Orphanet 140162, MedGen C0027672, MeSH D009386, MONDO:0015356.
ATM-related cancer predisposition. Also called: ATM-related cancer susceptibility. Identifiers: MedGen CN377759, MONDO:0700270.
Ataxia-telangiectasia syndrome (AT). Also called: LOUIS-BAR SYNDROME; Cerebello-oculocutaneous telangiectasia; Immunodeficiency with ataxia telangiectasia; Ataxia-telangiectasia, complementation group D; AT, COMPLEMENTATION GROUP C; Ataxia-telangiectasia, complementation group E. Identifiers: Orphanet 100, MedGen C0004135, MONDO:0008840, OMIM 208900.

Submissions (4):

Dasa
Classification: Uncertain significance for ATM-related cancer predisposition. Last evaluated: 2026-02-14. Review status: criteria provided, single submitter. Criteria: DASA Assertion Criteria. Collection method: clinical testing. Allele origin: germline.
Comment: NM_000051.4(ATM):c.7740_7742del (p.Arg2580del) is an in-frame deletion predicted to remove arginine at protein position 2580 without shifting the reading frame. This variant is rare in population databases. The currently available literature and clinical evidence are not sufficient to establish a definitive association between this variant and the reported condition. Therefore, this variant is classified as a variant of uncertain significance.

Ambry Genetics
Classification: Uncertain significance for Hereditary cancer-predisposing syndrome. Last evaluated: 2025-01-07. Review status: criteria provided, single submitter. Criteria: Ambry Variant Classification Scheme 2023. Collection method: clinical testing. Allele origin: germline.
Comment: The c.7740_7742delAAG variant (also known as p.R2580del) is located in coding exon 51 of the ATM gene. This variant results from an in-frame AAG deletion at nucleotide positions 7740 to 7742. This results in the in-frame deletion of an arginine at codon 2580. This amino acid position is highly conserved in available vertebrate species. In addition, the in silico prediction for this alteration is inconclusive (Choi Y et al. PLoS ONE. 2012; 7(10):e46688). Based on the available evidence, the clinical significance of this variant remains unclear.

Labcorp Genetics (formerly Invitae), Labcorp
Classification: Uncertain significance for Ataxia-telangiectasia syndrome. Last evaluated: 2020-04-08. Review status: criteria provided, single submitter. Criteria: Invitae Variant Classification Sherloc (09022015). Collection method: clinical testing. Allele origin: germline.
Comment: In summary, the available evidence is currently insufficient to determine the role of this variant in disease. Therefore, it has been classified as a Variant of Uncertain Significance. Experimental studies and prediction algorithms are not available or were not evaluated, and the functional significance of this variant is currently unknown. This variant has not been reported in the literature in individuals with ATM-related conditions. ClinVar contains an entry for this variant (Variation ID: 421547). This variant is not present in population databases (ExAC no frequency). This variant, c.7740_7742del, results in the deletion of 1 amino acid(s) of the ATM protein (p.Arg2580del), but otherwise preserves the integrity of the reading frame.

GeneDx
Classification: Uncertain significance. Last evaluated: 2016-06-24. Review status: criteria provided, single submitter. Criteria: GeneDx Variant Classification (06012015). Collection method: clinical testing. Allele origin: germline. Affected: yes.
Comment: This in-frame deletion of 3 nucleotides in ATM is denoted c.7740_7742delAAG at the cDNA level and p.Arg2580del (R2580del) at the protein level. The normal sequence, with the bases that are deleted in braces, is GAAG[AAG]CAGA. This deletion of a single Arginine residue occurs at a position that is conserved across species and is not located in a known functional domain (Tavtigian 2009, Stracker 2013). This variant has not, to our knowledge, been published in the literature as pathogenic or benign. Since in-frame deletions may or may not inhibit proper protein functioning, the clinical significance of this finding remains unclear at this time and we consider ATM Arg2580del to be a variant of uncertain significance.